The following is an entry in ClinVar:

ClinVar aggregate classification (germline): Conflicting classifications of pathogenicity. Review status: criteria provided, conflicting classifications (1 of 4 stars). 6 submissions from 5 submitters: Uncertain significance (4); Likely benign (1). 1 of the submissions does not count toward it. Last evaluated 2025-11-18.

Conditions:
Adams-Oliver syndrome 5 (AOS5). Identifiers: Orphanet 974, MedGen C4014970, MONDO:0014459, OMIM 616028.
Familial thoracic aortic aneurysm and aortic dissection (TAAD). Also called: Thoracic aortic aneurysms and dissections. Identifiers: Orphanet 91387, MedGen C4707243, MONDO:0019625.
Aortic valve disease 1 (AOVD1). Identifiers: MedGen C3887892, MONDO:0024523, OMIM 109730.

Allele frequency attached by ClinVar (database versions not stated): TOPMed below 0.00001; ExAC 0.00001; gnomAD 0.00001; gnomAD exomes 0.00002.
gnomAD v4.1: 33 of 1,592,534 alleles (0.0021%); highest among the groups gnomAD compares: Non-Finnish European, 0.0025%; no homozygotes.

Submissions (6):

Labcorp Genetics (formerly Invitae), Labcorp
Classification: Likely benign for Adams-Oliver syndrome 5. Last evaluated: 2025-11-18. Review status: criteria provided, single submitter. Criteria: Invitae Variant Classification Sherloc (09022015). Collection method: clinical testing. Allele origin: germline.

Genome-Nilou Lab
Classification: Uncertain significance for Adams-Oliver syndrome 5. Last evaluated: 2022-03-15. Review status: criteria provided, single submitter. Criteria: ACMG Guidelines, 2015. Collection method: clinical testing. Allele origin: germline. Affected: no.

Genome-Nilou Lab
Classification: Uncertain significance for Aortic valve disease 1. Last evaluated: 2022-03-15. Review status: criteria provided, single submitter. Criteria: ACMG Guidelines, 2015. Collection method: clinical testing. Allele origin: germline. Affected: no.

Ambry Genetics
Classification: Uncertain significance for Familial thoracic aortic aneurysm and aortic dissection. Last evaluated: 2021-12-30. Review status: criteria provided, single submitter. Criteria: Ambry Variant Classification Scheme 2023. Collection method: clinical testing. Allele origin: germline.

GeneDx
Classification: Uncertain significance. Last evaluated: 2018-05-31. Review status: criteria provided, single submitter. Criteria: GeneDx Variant Classification (06012015). Collection method: clinical testing. Allele origin: germline. Affected: yes.
Comment: A variant of uncertain significance has been identified in the NOTCH1 gene. The R1356C variant is also not observed in large population cohorts (Lek et al., 2016). The R1356C variant is a non-conservative amino acid substitution, which is likely to impact secondary protein structure as these residues differ in polarity, charge, size and/or other properties. In-silico analyses, including protein predictors and evolutionary conservation, support a deleterious effect. However, this variant has not been observed in a significant number of affected individuals, and it lacks both segregation and functional studies which would further clarify its pathogenicity.

ITMI
No classification provided. Condition: AllHighlyPenetrant. Last evaluated: 2013-09-19. Review status: no classification provided. Collection method: reference population. Allele origin: germline. Not counted in ClinVar's aggregate classification.
Comment: Please see associated publication for description of ethnicities

Literature cited by the submitters: PubMed 24728327 (cited by ITMI).

NM_017617.5(NOTCH1):c.4066C>T (p.Arg1356Cys)

Gene: NOTCH1 (notch receptor 1; minus strand). Cytogenetic location: 9q34.3.
Variant type: single nucleotide variant.
Coding change: c.4066C>T on transcript NM_017617.5 (MANE Select); coding-DNA position 4066, C replaced by T.
Protein change: p.Arg1356Cys; replaces arginine 1356 with cysteine.
Molecular consequence: missense variant.
Genome position (GRCh38, 1-based): chr9:136,505,830, G>A on the plus strand (C>T on the coding strand, the complement: NOTCH1 is on the minus strand). VCF-style: chr9-136505830-G-A. GRCh37 (hg19) VCF-style: chr9-139400282-G-A.
Other names: c.4066C>T, p.Arg1356Cys (LRG_1122t1); short protein forms R1356C.
Identifiers: ClinVar variation 134933 (VCV000134933.14), dbSNP rs587778567, ClinGen allele CA161193.